The following is an entry in ClinVar:

ClinVar aggregate classification (germline): Uncertain significance (1 of 4 stars; one submission).

Conditions:
GNAS-related disorder. Identifiers: MedGen CN380105.

Submission:

PreventionGenetics, part of Exact Sciences
Classification: Uncertain significance for GNAS-related condition. Last evaluated: 2026-06-26. Review status: criteria provided, single submitter. Criteria: ACMG Guidelines, 2015. Collection method: clinical testing. Allele origin: germline.
Comment: The GNAS c.279_290del12 variant is predicted to result in an in-frame deletion (p.Glu94_Leu97del). To our knowledge, this variant has not been reported in the literature or in a large population database (gnomAD), indicating this variant is rare. At this time, the clinical significance of this variant is uncertain due to the absence of conclusive functional and genetic evidence.

NM_016592.5(GNAS):c.279_290del (p.Glu94_Leu97del)

Genes: GNAS (GNAS complex locus; plus strand), GNAS-AS1 (GNAS antisense RNA 1; minus strand). Cytogenetic location: 20q13.32.
Variant type: Deletion.
Coding change: c.279_290del on transcript NM_016592.5 (MANE Plus Clinical); coding-DNA positions 279 to 290, 12 bases deleted (TGAGCTGTCCCT).
Protein change: p.Glu94_Leu97del.
Molecular consequence: inframe deletion. On other transcripts: 5 prime UTR variant (1).
Genome position (GRCh38, 1-based): chr20:58,840,385-58,840,396, TGAGCTGTCCCT deleted; deleting any 12 consecutive bases within chr20:58,840,382-58,840,396 gives the same sequence; the c. name uses the placement nearest the transcript's 3' end. VCF-style (leftmost placement, unchanged base first): chr20-58840381-ACCTTGAGCTGTC-A. GRCh37 (hg19) VCF-style: chr20-57415436-ACCTTGAGCTGTC-A.
Other names: c.-459_-448del (NM_001410912.1).
Identifiers: ClinVar variation 4986949 (VCV004986949.1).